The following is an entry in ClinVar:

NM_001040142.2(SCN2A):c.4141_4142insGTGCACGCTT (p.Asn1381fs)

Gene: SCN2A (sodium voltage-gated channel alpha subunit 2; plus strand). Cytogenetic location: 2q24.3.
Variant type: Insertion.
Coding change: c.4141_4142insGTGCACGCTT on transcript NM_001040142.2 (MANE Select); coding-DNA positions 4141 to 4142, GTGCACGCTT inserted.
Protein change: p.Asn1381fs; shifts the reading frame from asparagine 1381.
Molecular consequence: frameshift variant.
Genome position: GRCh38 VCF-style: chr2-165374853-A-AGTGCACGCTT. GRCh37 (hg19) VCF-style: chr2-166231363-A-AGTGCACGCTT.
Other names: c.4141_4142insGTGCACGCTT, p.Asn1381fs (NM_001040143.2, NM_001371246.1, NM_001371247.1 and 1 more transcripts); short protein forms N1381fs.
Identifiers: ClinVar variation 2950353 (VCV002950353.3), dbSNP rs2468102658, ClinGen allele CA2740095789.
Genomic context (GRCh38, chr2:165,374,853, plus strand): 5'-GGCAAGTTTTACCATTGTATTAATTACACCACTGGAGAGATGTTTGATGTAAGCGTGGTC[A>AGTGCACGCTT]ACAACTACAGTGAGTGCAAAGCTCTCATTGAGAGCAATCAAACTGCCAGGTGGAAAAATG-3'

ClinVar aggregate classification (germline): Pathogenic (1 of 4 stars; one submission).

Conditions:
Developmental and epileptic encephalopathy, 11 (DEE11). Also called: Early infantile epileptic encephalopathy 11. Identifiers: Orphanet 1934, MedGen C3150987, MONDO:0013388, OMIM 613721.
Seizures, benign familial infantile, 3 (BFIS3). Also called: Familial neonatal seizures; CONVULSIONS, BENIGN FAMILIAL INFANTILE, 3. Identifiers: Orphanet 140927, Orphanet 306, MedGen C1843140, MONDO:0011904, OMIM 607745.

Submission:

Labcorp Genetics (formerly Invitae), Labcorp
Classification: Pathogenic for Seizures, benign familial infantile, 3; Developmental and epileptic encephalopathy, 11. Last evaluated: 2023-07-27. Review status: criteria provided, single submitter. Criteria: Invitae Variant Classification Sherloc (09022015). Collection method: clinical testing. Allele origin: germline.
Comment: For these reasons, this variant has been classified as Pathogenic. Algorithms developed to predict the effect of sequence changes on RNA splicing suggest that this variant may disrupt the consensus splice site. This variant has not been reported in the literature in individuals affected with SCN2A-related conditions. This variant is not present in population databases (gnomAD no frequency). This sequence change creates a premature translational stop signal (p.Asn1381Serfs*8) in the SCN2A gene. It is expected to result in an absent or disrupted protein product. Loss-of-function variants in SCN2A are known to be pathogenic (PMID: 28379373).

Literature cited by the submitters: PubMed 28379373.